The following is an entry in ClinVar:

ClinVar aggregate classification (germline): Uncertain significance (1 of 4 stars; one submission).

Allele frequency attached by ClinVar (database versions not stated): gnomAD 0.00001.
gnomAD v4.1: 2 of 1,614,012 alleles (0.00012%); highest among the groups gnomAD compares: African/African-American, 0.0013%; no homozygotes.

Submission:

Labcorp Genetics (formerly Invitae), Labcorp
Classification: Uncertain significance. Last evaluated: 2024-10-22. Review status: criteria provided, single submitter. Criteria: Invitae Variant Classification Sherloc (09022015). Collection method: clinical testing. Allele origin: germline.
Comment: This sequence change replaces valine, which is neutral and non-polar, with alanine, which is neutral and non-polar, at codon 1325 of the NLRP1 protein (p.Val1325Ala). This variant is not present in population databases (gnomAD no frequency). This variant has not been reported in the literature in individuals affected with NLRP1-related conditions. ClinVar contains an entry for this variant (Variation ID: 1940007). An algorithm developed to predict the effect of missense changes on protein structure and function (PolyPhen-2) suggests that this variant is likely to be disruptive. In summary, the available evidence is currently insufficient to determine the role of this variant in disease. Therefore, it has been classified as a Variant of Uncertain Significance.

NM_033004.4(NLRP1):c.3974T>C (p.Val1325Ala)

Gene: NLRP1 (NLR family pyrin domain containing 1; minus strand). Cytogenetic location: 17p13.2.
Variant type: single nucleotide variant.
Coding change: c.3974T>C on transcript NM_033004.4 (MANE Select); coding-DNA position 3974, T replaced by C.
Protein change: p.Val1325Ala; replaces valine 1325 with alanine.
Molecular consequence: missense variant.
Genome position (GRCh38, 1-based): chr17:5,517,829, A>G on the plus strand (T>C on the coding strand, the complement: NLRP1 is on the minus strand). VCF-style: chr17-5517829-A-G. GRCh37 (hg19) VCF-style: chr17-5421149-A-G.
Other names: c.3986T>C, p.Val1329Ala (NM_001033053.3); c.3842T>C, p.Val1281Ala (NM_014922.5); c.3884T>C, p.Val1295Ala (NM_033006.4); c.3752T>C, p.Val1251Ala (NM_033007.4); short protein forms V1325A, V1329A, V1295A, V1251A, V1281A.
Identifiers: ClinVar variation 1940007 (VCV001940007.5), dbSNP rs199687052, ClinGen allele CA287275550.